The following is an entry in ClinVar:

NM_138694.4(PKHD1):c.4216dup (p.Ile1406fs)

Gene: PKHD1 (PKHD1 ciliary IPT domain containing fibrocystin/polyductin; minus strand). Cytogenetic location: 6p12.2.
Variant type: Duplication.
Coding change: c.4216dup on transcript NM_138694.4 (MANE Select); coding-DNA position 4216, one base duplicated (A; older notation c.4216dupA).
Protein change: p.Ile1406fs; shifts the reading frame from isoleucine 1406.
Molecular consequence: frameshift variant.
Genome position (GRCh38, 1-based): chr6:52,025,594, T duplicated on the plus strand (A on the coding strand, the reverse complement: PKHD1 is on the minus strand). VCF-style (leftmost placement, unchanged base first): chr6-52025593-A-AT. GRCh37 (hg19) VCF-style: chr6-51890391-A-AT.
Other names: c.4216dup, p.Ile1406fs (NM_170724.3); short protein forms I1406fs.
Identifiers: ClinVar variation 4060030 (VCV004060030.2).

ClinVar aggregate classification (germline): Likely pathogenic (1 of 4 stars; one submission).

Conditions:
Autosomal recessive polycystic kidney disease (ARPKD). Also called: AR polycystic kidney disease. Identifiers: Orphanet 731, Orphanet 8378, MedGen C0085548, MeSH D017044, MONDO:0009889.

Submission:

Natera, Inc.
Classification: Likely pathogenic for Autosomal recessive polycystic kidney disease. Last evaluated: 2025-03-31. Review status: criteria provided, single submitter. Criteria: Natera Variant Classification Schema (03/2026). Collection method: clinical testing. Allele origin: germline.
Comment: The c.4216dup variant in PKHD1 is a frameshift variant predicted to shift the reading frame beginning at codon 1406 and leads to a stop codon 10 codons downstream. This variant is expected to result in nonsense mediated decay, truncation, or a dysfunctional protein product. This variant is rare in the general population with a frequency below the threshold expected for the associated phenotype(s). Given the available evidence, this variant is classified as Likely Pathogenic.